The following is an entry in ClinVar:

NM_138694.4(PKHD1):c.11260G>A (p.Val3754Met)

Gene: PKHD1 (PKHD1 ciliary IPT domain containing fibrocystin/polyductin; minus strand). Cytogenetic location: 6p12.3.
Variant type: single nucleotide variant.
Coding change: c.11260G>A on transcript NM_138694.4 (MANE Select); coding-DNA position 11260, G replaced by A.
Protein change: p.Val3754Met; replaces valine 3754 with methionine.
Molecular consequence: missense variant.
Genome position (GRCh38, 1-based): chr6:51,649,135, C>T on the plus strand (G>A on the coding strand, the complement: PKHD1 is on the minus strand). VCF-style: chr6-51649135-C-T. GRCh37 (hg19) VCF-style: chr6-51513933-C-T.
Other names: short protein forms V3754M.
Identifiers: ClinVar variation 4999163 (VCV004999163.1).

ClinVar aggregate classification (germline): Uncertain significance (1 of 4 stars; one submission).

Conditions:
PKHD1-related disorder. Also called: PKHD1-related condition.

Submission:

PreventionGenetics, part of Exact Sciences
Classification: Uncertain significance for PKHD1-related condition. Last evaluated: 2024-10-25. Review status: criteria provided, single submitter. Criteria: ACMG Guidelines, 2015. Collection method: clinical testing. Allele origin: germline.
Comment: The PKHD1 c.11260G>A variant is predicted to result in the amino acid substitution p.Val3754Met. To our knowledge, this variant has not been reported in the literature or in a large population database (gnomAD), indicating this variant is rare. At this time, the clinical significance of this variant is uncertain due to the absence of conclusive functional and genetic evidence.